The following is an entry in ClinVar:

ClinVar aggregate classification (germline): Uncertain significance. Review status: criteria provided, multiple submitters, no conflicts (2 of 4 stars). 3 submissions from 3 submitters: Uncertain significance (3). Last evaluated 2024-10-11.

gnomAD v4.1: 52 of 1,613,862 alleles (0.0032%); highest among the groups gnomAD compares: Non-Finnish European, 0.0042%; no homozygotes.

Submissions (3):

Ambry Genetics
Classification: Uncertain significance. Last evaluated: 2024-10-11. Review status: criteria provided, single submitter. Criteria: Ambry Variant Classification Scheme 2023. Collection method: clinical testing. Allele origin: germline.

CeGaT Center for Human Genetics Tuebingen
Classification: Uncertain significance. Last evaluated: 2024-03-01. Review status: criteria provided, single submitter. Criteria: CeGaT Center For Human Genetics Tuebingen Variant Classification Criteria Version 2. Collection method: clinical testing. Allele origin: germline. Affected: yes. Observed: 1 variant allele.
Comment: DIAPH3: PM5

Labcorp Genetics (formerly Invitae), Labcorp
Classification: Uncertain significance. Last evaluated: 2023-04-09. Review status: criteria provided, single submitter. Criteria: Invitae Variant Classification Sherloc (09022015). Collection method: clinical testing. Allele origin: germline.
Comment: An algorithm developed to predict the effect of missense changes on protein structure and function (PolyPhen-2) suggests that this variant is likely to be disruptive. In summary, the available evidence is currently insufficient to determine the role of this variant in disease. Therefore, it has been classified as a Variant of Uncertain Significance. This variant has not been reported in the literature in individuals affected with DIAPH3-related conditions. This sequence change replaces proline, which is neutral and non-polar, with serine, which is neutral and polar, at codon 614 of the DIAPH3 protein (p.Pro614Ser). This variant is present in population databases (rs200018583, gnomAD 0.007%).

NM_001042517.2(DIAPH3):c.1840C>T (p.Pro614Ser)

Gene: DIAPH3 (diaphanous related formin 3; minus strand). Cytogenetic location: 13q21.2.
Variant type: single nucleotide variant.
Coding change: c.1840C>T on transcript NM_001042517.2 (MANE Select); coding-DNA position 1840, C replaced by T.
Protein change: p.Pro614Ser; replaces proline 614 with serine.
Molecular consequence: missense variant.
Genome position (GRCh38, 1-based): chr13:59,970,971, G>A on the plus strand (C>T on the coding strand, the complement: DIAPH3 is on the minus strand). VCF-style: chr13-59970971-G-A. GRCh37 (hg19) VCF-style: chr13-60545105-G-A.
Other names: c.1807C>T, p.Pro603Ser (NM_001258366.2); c.1702C>T, p.Pro568Ser (NM_001258367.2); c.1630C>T, p.Pro544Ser (NM_001258368.2); c.1840C>T, p.Pro614Ser (NM_001258369.2); c.1051C>T, p.Pro351Ser (NM_001258370.2, NM_030932.4); c.1840C>T (NM_001042517.1); short protein forms P544S, P568S, P603S, P351S, P614S.
Identifiers: ClinVar variation 2722273 (VCV002722273.25), dbSNP rs200018583, ClinGen allele CA6996561.